The following is an entry in ClinVar:

ClinVar aggregate classification (germline): Likely benign. Review status: criteria provided, multiple submitters, no conflicts (2 of 4 stars). 2 submissions from 2 submitters: Likely benign (2). Last evaluated 2025-03-31.

Allele frequency attached by ClinVar (database versions not stated): gnomAD 0.00005 and 0.00007; gnomAD exomes 0.00005; ExAC 0.00007; ESP Exome Variant Server 0.00015; 1000 Genomes Project 30x 0.00016; 1000 Genomes Project 0.00020.
gnomAD v4.1: 94 of 1,614,088 alleles (0.0058%); highest among the groups gnomAD compares: Middle Eastern, 0.017%; no homozygotes.

Submissions (2):

Labcorp Genetics (formerly Invitae), Labcorp
Classification: Likely benign. Last evaluated: 2025-03-31. Review status: criteria provided, single submitter. Criteria: Invitae Variant Classification Sherloc (09022015). Collection method: clinical testing. Allele origin: germline.

CeGaT Center for Human Genetics Tuebingen
Classification: Likely benign. Last evaluated: 2024-07-01. Review status: criteria provided, single submitter. Criteria: CeGaT Center For Human Genetics Tuebingen Variant Classification Criteria Version 2. Collection method: clinical testing. Allele origin: germline. Affected: yes. Observed: 2 variant alleles.
Comment: DLL1: BP4, BP7

NM_005618.4(DLL1):c.1155C>T (p.Pro385=)

Gene: DLL1 (delta like canonical Notch ligand 1; minus strand). Cytogenetic location: 6q27.
Variant type: single nucleotide variant.
Coding change: c.1155C>T on transcript NM_005618.4 (MANE Select); coding-DNA position 1155, C replaced by T.
Protein change: p.Pro385=; no amino-acid change (proline 385 retained).
Molecular consequence: synonymous variant.
Genome position (GRCh38, 1-based): chr6:170,285,013, G>A on the plus strand (C>T on the coding strand, the complement: DLL1 is on the minus strand). VCF-style: chr6-170285013-G-A. GRCh37 (hg19) VCF-style: chr6-170594101-G-A.
Identifiers: ClinVar variation 1564217 (VCV001564217.31), dbSNP rs143891309, ClinGen allele CA4106915.